The following is an entry in ClinVar:

ClinVar aggregate classification (germline): Conflicting classifications of pathogenicity. Review status: criteria provided, conflicting classifications (1 of 4 stars). 13 submissions from 13 submitters: Uncertain significance (6); Likely benign (7). Last evaluated 2026-03-24.

Conditions:
IGHMBP2-related disorder. Also called: IGHMBP2-related disorders; IGHMBP2-related condition.
Charcot-Marie-Tooth disease axonal type 2S. Also called: CHARCOT-MARIE-TOOTH DISEASE, AXONAL, AUTOSOMAL RECESSIVE, TYPE 2S; CHARCOT-MARIE-TOOTH NEUROPATHY, TYPE 2S. Identifiers: Orphanet 443073, MedGen C4015349, MONDO:0014511, OMIM 616155.
Autosomal recessive distal spinal muscular atrophy 1. Also called: HMN VI; NEURONOPATHY, SEVERE INFANTILE AXONAL, WITH RESPIRATORY FAILURE; SEVERE INFANTILE AXONAL NEUROPATHY WITH RESPIRATORY FAILURE; SPINAL MUSCULAR ATROPHY, DIAPHRAGMATIC; Spinal muscular atrophy with respiratory distress 1; NEURONOPATHY, DISTAL HEREDITARY MOTOR, HARDING TYPE VI. Identifiers: Orphanet 98920, MedGen C1858517, MONDO:0011436, OMIM 604320.
Charcot-Marie-Tooth disease. Also called: Charcot-Marie-Tooth Neuropathy; Charcot-Marie-Tooth Hereditary Neuropathy. Identifiers: Orphanet 166, MedGen C0007959, MONDO:0015626.
Inborn genetic diseases. Identifiers: MedGen C0950123, MeSH D030342.

Allele frequency attached by ClinVar (database versions not stated): ESP Exome Variant Server 0.00031; 1000 Genomes Project 0.00040; 1000 Genomes Project 30x 0.00047; gnomAD 0.00050 and 0.00053; TOPMed 0.00052; gnomAD exomes 0.00063 and 0.00080; ExAC 0.00087.

Submissions (13):

Women's Health and Genetics/Laboratory Corporation of America, LabCorp
Classification: Likely benign. Last evaluated: 2026-03-24. Review status: criteria provided, single submitter. Criteria: LabCorp Variant Classification Summary - May 2015. Collection method: clinical testing. Allele origin: germline.
Comment: Variant summary: IGHMBP2 c.2360C>T (p.Pro787Leu) results in a non-conservative amino acid change in the encoded protein sequence. Algorithms developed to predict the effect of missense changes on protein structure and function are either unavailable or do not agree on the potential impact of this missense change. The variant allele was found at a frequency of 0.00063 in 249216 control chromosomes, predominantly at a frequency of 0.0012 within the Non-Finnish European subpopulation in the gnomAD database, including 1 homozygotes. The observed variant frequency within Non-Finnish European control individuals in the gnomAD database exceeds the estimated maximal expected allele frequency for disease-causing variants in IGHMBP2. c.2360C>T has been observed in individual(s) affected with Charcot-Marie-Tooth disease axonal type 2S without clinical specification (Volodarsky_2021). These report(s) do not provide unequivocal conclusions about association of the variant with Charcot-Marie-Tooth disease axonal type 2S. To our knowledge, no experimental evidence demonstrating an impact on protein function has been reported. The following publication have been ascertained in the context of this evaluation (PMID: 32376792). ClinVar contains an entry for this variant (Variation ID: 245872). Based on the evidence outlined above, the variant was classified as likely benign.

Labcorp Genetics (formerly Invitae), Labcorp
Classification: Likely benign for Autosomal recessive distal spinal muscular atrophy 1; Charcot-Marie-Tooth disease axonal type 2S. Last evaluated: 2026-01-26. Review status: criteria provided, single submitter. Criteria: Invitae Variant Classification Sherloc (09022015). Collection method: clinical testing. Allele origin: germline.

PreventionGenetics, part of Exact Sciences
Classification: Likely benign for IGHMBP2-related condition. Last evaluated: 2025-03-12. Review status: criteria provided, single submitter. Criteria: ACMG Guidelines, 2015. Collection method: clinical testing. Allele origin: germline.
Comment: This variant is classified as likely benign based on ACMG/AMP sequence variant interpretation guidelines (Richards et al. 2015 PMID: 25741868, with internal and published modifications).

Blueprint Genetics
Classification: Likely benign. Last evaluated: 2024-11-21. Review status: criteria provided, single submitter. Criteria: ACMG Guidelines, 2015. Collection method: clinical testing. Allele origin: germline.

Mayo Clinic Laboratories, Mayo Clinic
Classification: Uncertain significance. Last evaluated: 2023-04-11. Review status: criteria provided, single submitter. Criteria: ACMG Guidelines, 2015. Collection method: clinical testing. Allele origin: germline. Observed: 3 variant alleles.

Ambry Genetics
Classification: Uncertain significance for Inborn genetic diseases. Last evaluated: 2021-12-15. Review status: criteria provided, single submitter. Criteria: Ambry Variant Classification Scheme 2023. Collection method: clinical testing. Allele origin: germline.
Comment: The p.P787L variant (also known as c.2360C>T), located in coding exon 13 of the IGHMBP2 gene, results from a C to T substitution at nucleotide position 2360. The proline at codon 787 is replaced by leucine, an amino acid with similar properties. This amino acid position is poorly conserved in available vertebrate species. In addition, this alteration is predicted to be tolerated by in silico analysis. Since supporting evidence is limited at this time, the clinical significance of this alteration remains unclear.

CeGaT Center for Human Genetics Tuebingen
Classification: Likely benign. Last evaluated: 2021-10-01. Review status: criteria provided, single submitter. Criteria: CeGaT Center For Human Genetics Tuebingen Variant Classification Criteria Version 2. Collection method: clinical testing. Allele origin: germline. Affected: yes. Observed: 1 variant allele.

ARUP Laboratories, Molecular Genetics and Genomics, ARUP Laboratories
Classification: Likely benign. Last evaluated: 2021-06-17. Review status: criteria provided, single submitter. Criteria: ARUP Molecular Germline Variant Investigation Process 2021. Collection method: clinical testing. Allele origin: germline.

GeneDx
Classification: Likely benign. Last evaluated: 2021-04-06. Review status: criteria provided, single submitter. Criteria: GeneDx Variant Classification Process June 2021. Collection method: clinical testing. Allele origin: germline. Affected: yes.
Comment: This variant is associated with the following publications: (PMID: 25025039, 32376792)

Revvity Omics, Revvity
Classification: Uncertain significance. Last evaluated: 2020-02-05. Review status: criteria provided, single submitter. Criteria: ACMG Guidelines, 2015. Collection method: clinical testing. Allele origin: germline.

Illumina Laboratory Services, Illumina
Classification: Uncertain significance for Autosomal recessive distal spinal muscular atrophy 1. Last evaluated: 2018-01-12. Review status: criteria provided, single submitter. Criteria: ICSL Variant Classification Criteria 13 December 2019. Collection method: clinical testing. Allele origin: germline.

Center for Pediatric Genomic Medicine, Children's Mercy Hospital and Clinics
Classification: Uncertain significance. Last evaluated: 2017-03-28. Review status: criteria provided, single submitter. Criteria: ACMG Guidelines, 2015. Collection method: clinical testing. Allele origin: germline.

Molecular Genetics Laboratory, London Health Sciences Centre
Classification: Uncertain significance for Charcot-Marie-Tooth disease. Review status: criteria provided, single submitter. Criteria: ACMG Guidelines, 2015. Collection method: clinical testing. Allele origin: germline. Affected: yes.

Literature cited by the submitters: PubMed 32376792 (cited by Women's Health and Genetics/Laboratory Corporation of America, LabCorp).

NM_002180.3(IGHMBP2):c.2360C>T (p.Pro787Leu)

Gene: IGHMBP2 (immunoglobulin mu DNA binding protein 2; plus strand). Cytogenetic location: 11q13.3.
Variant type: single nucleotide variant.
Coding change: c.2360C>T on transcript NM_002180.3 (MANE Select); coding-DNA position 2360, C replaced by T.
Protein change: p.Pro787Leu; replaces proline 787 with leucine.
Molecular consequence: missense variant.
Genome position (GRCh38, 1-based): chr11:68,936,840, C>T. VCF-style: chr11-68936840-C-T. GRCh37 (hg19) VCF-style: chr11-68704308-C-T.
Other names: p.Pro787Leu; short protein forms P787L.
Identifiers: ClinVar variation 245872 (VCV000245872.64), dbSNP rs141594765, ClinGen allele CA6153889.